The following is an entry in ClinVar:

ClinVar aggregate classification (germline): Benign. Review status: criteria provided, multiple submitters, no conflicts (2 of 4 stars). 13 submissions from 10 submitters: Benign (8). 5 of the submissions do not count toward it. Last evaluated 2026-02-03.

Conditions:
TTN-related disorder. Also called: TTN-related condition; TTN-related disease; TTN-related disorders.
Autosomal recessive limb-girdle muscular dystrophy type 2J (LGMDR10). Also called: MUSCULAR DYSTROPHY, LIMB-GIRDLE, AUTOSOMAL RECESSIVE 10; Limb-girdle muscular dystrophy, type 2J. Identifiers: Orphanet 140922, MedGen C1837342, MONDO:0012127, OMIM 608807.
Dilated cardiomyopathy 1G (CMD1G). Identifiers: Orphanet 154, MedGen C1858763, MONDO:0011400, OMIM 604145.
Early-onset myopathy with fatal cardiomyopathy (CMYO5). Also called: Salih Myopathy; CONGENITAL MYOPATHY 5 WITH CARDIOMYOPATHY. Identifiers: Orphanet 289377, MedGen C2673677, MONDO:0012714, OMIM 611705. Disease mechanism: loss of function.
Myopathy, myofibrillar, 9, with early respiratory failure (MFM9). Also called: Myopathy, distal, with early respiratory failure, autosomal dominant; Hereditary myopathy with early respiratory failure; EDSTROM MYOPATHY; MYOPATHY, PROXIMAL, WITH EARLY RESPIRATORY MUSCLE INVOLVEMENT. Identifiers: Orphanet 178464, Orphanet 34521, MedGen C1863599, MONDO:0011362, OMIM 603689.
Tibial muscular dystrophy (TMD). Also called: UDD MYOPATHY; Tibial muscular dystrophy, tardive; Udd Distal Myopathy – Tibial Muscular Dystrophy. Identifiers: Orphanet 609, MedGen C1838244, MONDO:0010870, OMIM 600334.

Allele frequency attached by ClinVar (database versions not stated): 1000 Genomes Project 0.01597; 1000 Genomes Project 30x 0.01718; gnomAD exomes 0.00142 and 0.00262; ExAC 0.00340; gnomAD 0.01383 and 0.01470; TOPMed 0.01594.
gnomAD v4.1: 4,163 of 1,549,284 alleles (0.27%); highest among the groups gnomAD compares: African/African-American, 5%; 98 homozygotes.

Submissions (13):

Labcorp Genetics (formerly Invitae), Labcorp
Classification: Benign for Dilated cardiomyopathy 1G; Autosomal recessive limb-girdle muscular dystrophy type 2J. Last evaluated: 2026-02-03. Review status: criteria provided, single submitter. Criteria: Invitae Variant Classification Sherloc (09022015). Collection method: clinical testing. Allele origin: germline.

ARUP Laboratories, Molecular Genetics and Genomics, ARUP Laboratories
Classification: Benign. Last evaluated: 2025-07-08. Review status: criteria provided, single submitter. Criteria: ARUP Molecular Germline Variant Investigation Process 2024. Collection method: clinical testing. Allele origin: germline.

Molecular Diagnostic Laboratory for Inherited Cardiovascular Disease, Montreal Heart Institute
Classification: Benign. Last evaluated: 2025-04-09. Review status: criteria provided, single submitter. Criteria: ACMG Guidelines, 2015. Collection method: clinical testing. Allele origin: germline. Affected: no.

Genome-Nilou Lab
Classification: Benign for Autosomal recessive limb-girdle muscular dystrophy type 2J. Last evaluated: 2021-09-10. Review status: criteria provided, single submitter. Criteria: ACMG Guidelines, 2015. Collection method: clinical testing. Allele origin: germline. Affected: no.

Genome-Nilou Lab
Classification: Benign for Myopathy, myofibrillar, 9, with early respiratory failure. Last evaluated: 2021-09-10. Review status: criteria provided, single submitter. Criteria: ACMG Guidelines, 2015. Collection method: clinical testing. Allele origin: germline. Affected: no.

Genome-Nilou Lab
Classification: Benign for Early-onset myopathy with fatal cardiomyopathy. Last evaluated: 2021-09-10. Review status: criteria provided, single submitter. Criteria: ACMG Guidelines, 2015. Collection method: clinical testing. Allele origin: germline. Affected: no.

Genome-Nilou Lab
Classification: Benign for Tibial muscular dystrophy. Last evaluated: 2021-09-10. Review status: criteria provided, single submitter. Criteria: ACMG Guidelines, 2015. Collection method: clinical testing. Allele origin: germline. Affected: no.

Breakthrough Genomics
Classification: Benign. Review status: criteria provided, single submitter. Criteria: ACMG Guidelines, 2015. Collection method: not provided. Allele origin: germline. Inheritance: Autosomal recessive inheritance. Affected: yes.

PreventionGenetics, part of Exact Sciences
Classification: Benign for TTN-related condition. Last evaluated: 2019-05-20. Review status: no assertion criteria provided. Collection method: clinical testing. Allele origin: germline. Not counted in ClinVar's aggregate classification.
Comment: This variant is classified as benign based on ACMG/AMP sequence variant interpretation guidelines (Richards et al. 2015 PMID: 25741868, with internal and published modifications).

Clinical Genetics DNA and cytogenetics Diagnostics Lab, Erasmus MC, Erasmus Medical Center
Classification: Benign. Review status: no assertion criteria provided. Collection method: clinical testing. Allele origin: germline. Affected: yes. Study: VKGL Data-share Consensus. Not counted in ClinVar's aggregate classification.

Clinical Genetics, Academic Medical Center
Classification: Benign. Review status: no assertion criteria provided. Collection method: clinical testing. Allele origin: germline. Affected: yes. Study: VKGL Data-share Consensus. Not counted in ClinVar's aggregate classification.

Genome Diagnostics Laboratory, University Medical Center Utrecht
Classification: Likely benign. Review status: no assertion criteria provided. Collection method: clinical testing. Allele origin: germline. Affected: yes. Study: VKGL Data-share Consensus. Not counted in ClinVar's aggregate classification.

Laboratory of Diagnostic Genome Analysis, Leiden University Medical Center (LUMC)
Classification: Likely benign. Review status: no assertion criteria provided. Collection method: clinical testing. Allele origin: germline. Affected: yes. Study: VKGL Data-share Consensus. Not counted in ClinVar's aggregate classification.

NM_001267550.2(TTN):c.40141+7G>A

Gene: TTN (titin; minus strand). Cytogenetic location: 2q31.2.
Variant type: single nucleotide variant.
Coding change: c.40141+7G>A on transcript NM_001267550.2 (MANE Select); 7 bases into the intron after coding-DNA position 40141, G replaced by A.
Molecular consequence: intron variant.
Genome position (GRCh38, 1-based): chr2:178,647,374, C>T on the plus strand (G>A on the coding strand, the complement: TTN is on the minus strand). VCF-style: chr2-178647374-C-T. GRCh37 (hg19) VCF-style: chr2-179512101-C-T.
Other names: c.13283-5057G>A (NM_003319.4); c.13859-5057G>A (NM_133437.4); c.13658-5057G>A (NM_133432.3); c.32594-1344G>A (NM_133378.4); c.35375-1344G>A (NM_001256850.1).
Identifiers: ClinVar variation 413055 (VCV000413055.36), dbSNP rs77960621, ClinGen allele CA1996537.
Genomic context (GRCh38, chr2:178,647,374, plus strand): 5'-TCTACAATCAAAGCAAGAGGATGAAGACAATTGTCATCTTTCCAAGATTTATGGAGAAGC[C>T]GTGTACCTTCAGCAGGTGGAACTTCTGGCTCTGCAGGGATAGGCACAGACACTTCCTTTT-3'